The following is an entry in ClinVar:

ClinVar aggregate classification (germline): Uncertain significance. Review status: criteria provided, multiple submitters, no conflicts (2 of 4 stars). 2 submissions from 2 submitters: Uncertain significance (2). Last evaluated 2025-08-30.

Conditions:
Inborn genetic diseases. Identifiers: MedGen C0950123, MeSH D030342.

Allele frequency attached by ClinVar (database versions not stated): gnomAD 0.00001; TOPMed 0.00001; ExAC 0.00003; gnomAD exomes 0.00003.
gnomAD v4.1: 45 of 1,575,584 alleles (0.0029%); highest among the groups gnomAD compares: South Asian, 0.01%; no homozygotes.

Submissions (2):

Ambry Genetics
Classification: Uncertain significance for Inborn genetic diseases. Last evaluated: 2025-08-30. Review status: criteria provided, single submitter. Criteria: Ambry Variant Classification Scheme 2023. Collection method: clinical testing. Allele origin: germline.

Labcorp Genetics (formerly Invitae), Labcorp
Classification: Uncertain significance. Last evaluated: 2022-05-12. Review status: criteria provided, single submitter. Criteria: Invitae Variant Classification Sherloc (09022015). Collection method: clinical testing. Allele origin: germline.
Comment: This sequence change replaces isoleucine, which is neutral and non-polar, with valine, which is neutral and non-polar, at codon 42 of the PLOD2 protein (p.Ile42Val). The frequency data for this variant in the population databases is considered unreliable, as metrics indicate poor data quality at this position in the gnomAD database. This variant has not been reported in the literature in individuals affected with PLOD2-related conditions. Algorithms developed to predict the effect of missense changes on protein structure and function (SIFT, PolyPhen-2, Align-GVGD) all suggest that this variant is likely to be tolerated. In summary, the available evidence is currently insufficient to determine the role of this variant in disease. Therefore, it has been classified as a Variant of Uncertain Significance.

NM_182943.3(PLOD2):c.124A>G (p.Ile42Val)

Gene: PLOD2 (procollagen-lysine,2-oxoglutarate 5-dioxygenase 2; minus strand). Cytogenetic location: 3q24.
Variant type: single nucleotide variant.
Coding change: c.124A>G on transcript NM_182943.3 (MANE Select); coding-DNA position 124, A replaced by G.
Protein change: p.Ile42Val; replaces isoleucine 42 with valine.
Molecular consequence: missense variant.
Genome position (GRCh38, 1-based): chr3:146,124,215, T>C on the plus strand (A>G on the coding strand, the complement: PLOD2 is on the minus strand). VCF-style: chr3-146124215-T-C. GRCh37 (hg19) VCF-style: chr3-145842002-T-C.
Other names: c.124A>G, p.Ile42Val (NM_000935.3); short protein forms I42V.
Identifiers: ClinVar variation 2184351 (VCV002184351.2), dbSNP rs769966636, ClinGen allele CA2655350.